The following is an entry in ClinVar:

ClinVar aggregate classification (germline): Uncertain significance (1 of 4 stars; one submission).

Submission:

Labcorp Genetics (formerly Invitae), Labcorp
Classification: Uncertain significance. Last evaluated: 2022-03-10. Review status: criteria provided, single submitter. Criteria: Invitae Variant Classification Sherloc (09022015). Collection method: clinical testing. Allele origin: germline.
Comment: In summary, the available evidence is currently insufficient to determine the role of this variant in disease. Therefore, it has been classified as a Variant of Uncertain Significance. Experimental studies and prediction algorithms are not available or were not evaluated, and the functional significance of this variant is currently unknown. ClinVar contains an entry for this variant (Variation ID: 1057332). This variant has not been reported in the literature in individuals affected with PDZD7-related conditions. This variant is not present in population databases (gnomAD no frequency). This variant, c.2132_2146del, results in the deletion of 5 amino acid(s) of the PDZD7 protein (p.His711_Pro715del), but otherwise preserves the integrity of the reading frame.

NM_001195263.2(PDZD7):c.2132_2146del (p.His711_Pro715del)

Gene: PDZD7 (PDZ domain containing 7; minus strand). Cytogenetic location: 10q24.31.
Variant type: Deletion.
Coding change: c.2132_2146del on transcript NM_001195263.2 (MANE Select); coding-DNA positions 2132 to 2146, 15 bases deleted (ATAAAGGGATCCCCC).
Protein change: p.His711_Pro715del.
Molecular consequence: inframe deletion.
Genome position (GRCh38, 1-based): chr10:101,010,743-101,010,757, GGGGGATCCCTTTAT deleted on the plus strand (ATAAAGGGATCCCCC on the coding strand, the reverse complement: PDZD7 is on the minus strand); deleting any 15 consecutive bases within chr10:101,010,743-101,010,762 gives the same sequence; the c. name uses the placement nearest the transcript's 3' end. VCF-style (leftmost placement, unchanged base first): chr10-101010742-GGGGGGATCCCTTTAT-G. GRCh37 (hg19) VCF-style: chr10-102770499-GGGGGGATCCCTTTAT-G.
Identifiers: ClinVar variation 1057332 (VCV001057332.10), dbSNP rs1852368311, ClinGen allele CA1931998860.